The following is an entry in ClinVar:

NM_001212.4(C1QBP):c.407ACA[1] (p.Asn137del)

Gene: C1QBP (complement C1q binding protein; minus strand). Cytogenetic location: 17p13.2.
Variant type: Microsatellite.
Coding change: c.407ACA[1] on transcript NM_001212.4 (MANE Select); one copy of the 3-base unit ACA starting at c.407; the reference has two copies in a row; one copy, 3 bases deleted.
Protein change: p.Asn137del; deletes asparagine 137.
Molecular consequence: inframe deletion.
Genome position (GRCh38, 1-based): chr17:5,434,938-5,434,940, TGT deleted on the plus strand (ACA on the coding strand, the reverse complement: C1QBP is on the minus strand); deleting any 3 consecutive bases within chr17:5,434,938-5,434,944 gives the same sequence; the position shown is the placement nearest the transcript's 3' end. VCF-style (leftmost placement, unchanged base first): chr17-5434937-CTGT-C. GRCh37 (hg19) VCF-style: chr17-5338257-CTGT-C.
Other names: short protein forms N137del.
Identifiers: ClinVar variation 2008963 (VCV002008963.4), dbSNP rs770579184, ClinGen allele CA8325288.

ClinVar aggregate classification (germline): Uncertain significance (1 of 4 stars; one submission).

Submission:

Labcorp Genetics (formerly Invitae), Labcorp
Classification: Uncertain significance. Last evaluated: 2023-03-18. Review status: criteria provided, single submitter. Criteria: Invitae Variant Classification Sherloc (09022015). Collection method: clinical testing. Allele origin: germline.
Comment: This variant, c.410_412del, results in the deletion of 1 amino acid(s) of the C1QBP protein (p.Asn137del), but otherwise preserves the integrity of the reading frame. This variant is present in population databases (rs770579184, gnomAD 0.007%). This variant has not been reported in the literature in individuals affected with C1QBP-related conditions. Experimental studies and prediction algorithms are not available or were not evaluated, and the functional significance of this variant is currently unknown. In summary, the available evidence is currently insufficient to determine the role of this variant in disease. Therefore, it has been classified as a Variant of Uncertain Significance.